The following is an entry in ClinVar:

ClinVar aggregate classification (germline): Likely pathogenic (1 of 4 stars; one submission).

Conditions:
Coffin-Siris syndrome 1 (CSS1). Also called: ARID1B-Related Coffin-Siris Syndrome; Mental retardation, autosomal dominant 12. Identifiers: Orphanet 1465, MedGen C3281201, MONDO:0007617, OMIM 135900. Disease mechanism: gain of function.

Submission:

3billion
Classification: Likely pathogenic for Coffin-Siris syndrome 1. Last evaluated: 2022-09-01. Review status: criteria provided, single submitter. Criteria: ACMG Guidelines, 2015. Collection method: clinical testing. Allele origin: germline. Affected: yes. Observed: 1 heterozygote.
Comment: The variant is not observed in the gnomAD v2.1.1 dataset. Frameshift variant is predicted to result in a loss or disruption of normal protein function through protein truncation. Multiple pathogenic variants are reported in the predicted truncated region. Therefore, this variant is classified as Likely pathogenic according to the recommendation of ACMG/AMP guideline.

NM_001374828.1(ARID1B):c.5399del (p.Ser1800fs)

Gene: ARID1B (AT-rich interaction domain 1B; plus strand). Cytogenetic location: 6q25.3.
Variant type: Deletion.
Coding change: c.5399del on transcript NM_001374828.1 (MANE Select); coding-DNA position 5399, one base deleted (C; older notation c.5399delC).
Protein change: p.Ser1800fs; shifts the reading frame from serine 1800.
Molecular consequence: frameshift variant.
Genome position (GRCh38, 1-based): chr6:157,206,171, C deleted. VCF-style (leftmost placement, unchanged base first): chr6-157206170-TC-T. GRCh37 (hg19) VCF-style: chr6-157527304-TC-T.
Other names: c.5150delC, p.Ser1717Leufs (NM_001346813.1); c.2900del, p.Ser967fs (NM_001363725.2); c.5279del, p.Ser1760fs (NM_001371656.1, NM_001374820.1); c.5240del, p.Ser1747fs (NM_017519.3); c.5030delC, p.Ser1677Leufs (NM_020732.3); c.4817delC, p.Ser1606Leufs (NM_175863.2); short protein forms S1747fs, S1760fs, S1800fs, S967fs.
Identifiers: ClinVar variation 1705605 (VCV001705605.1), dbSNP rs2538754819, ClinGen allele CA2580075318.